The following is an entry in ClinVar:

ClinVar aggregate classification (germline): Uncertain significance (1 of 4 stars; one submission).

Conditions:
MYO7A-related disorder. Also called: MYO7A-related disorders.
Usher syndrome type 1 (USH1). Also called: RETINITIS PIGMENTOSA AND CONGENITAL DEAFNESS. Identifiers: Orphanet 231169, Orphanet 886, MedGen C1568247, MONDO:0010168, OMIM 276900.

Allele frequency attached by ClinVar (database versions not stated): gnomAD 0.00002; ExAC 0.00003; gnomAD exomes 0.00004.
gnomAD v4.1: 33 of 1,613,162 alleles (0.002%); highest among the groups gnomAD compares: Non-Finnish European, 0.0017%; no homozygotes.

Submission:

Myriad Genetics, Inc.
Classification: Uncertain significance for Usher syndrome type 1. Last evaluated: 2026-02-13. Review status: criteria provided, single submitter. Criteria: Myriad Autosomal Dominant, Autosomal Recessive and X-Linked Classification Criteria (2023). Collection method: clinical testing. Allele origin: unknown.
Comment: NM_000260.3(MYO7A):c.940G>A(E314K) is a missense variant classified as a variant of uncertain significance in the context of MYO7A-related disorders. E314K has been observed in a case with relevant disease (PMID: 38594301). Relevant functional assessments of this variant are not available in the literature. E314K has been observed in referenced population frequency databases. In summary, there is insufficient evidence to classify NM_000260.3(MYO7A):c.940G>A(E314K) as pathogenic or benign. Please note: this variant was assessed in the context of healthy population screening.

Literature cited by the submitters: PubMed 38594301 (cited by Myriad Genetics, Inc.).

NM_000260.4(MYO7A):c.940G>A (p.Glu314Lys)

Gene: MYO7A (myosin VIIA; plus strand). Cytogenetic location: 11q13.5.
Variant type: single nucleotide variant.
Coding change: c.940G>A on transcript NM_000260.4 (MANE Select); coding-DNA position 940, G replaced by A.
Protein change: p.Glu314Lys; replaces glutamic acid 314 with lysine.
Molecular consequence: missense variant.
Genome position (GRCh38, 1-based): chr11:77,158,367, G>A. VCF-style: chr11-77158367-G-A. GRCh37 (hg19) VCF-style: chr11-76869413-G-A.
Other names: c.940G>A, p.Glu314Lys (NM_001127180.2); c.907G>A, p.Glu303Lys (NM_001369365.1); short protein forms E303K, E314K.
Identifiers: ClinVar variation 684484 (VCV000684484.3), dbSNP rs782685774, ClinGen allele CA6197306.